The following is an entry in ClinVar:

NM_000158.4(GBE1):c.1389G>A (p.Thr463=)

Gene: GBE1 (1,4-alpha-glucan branching enzyme 1; minus strand). Cytogenetic location: 3p12.2.
Variant type: single nucleotide variant.
Coding change: c.1389G>A on transcript NM_000158.4 (MANE Select); coding-DNA position 1389, G replaced by A.
Protein change: p.Thr463=; no amino-acid change (threonine 463 retained).
Molecular consequence: synonymous variant.
Genome position (GRCh38, 1-based): chr3:81,581,222, C>T on the plus strand (G>A on the coding strand, the complement: GBE1 is on the minus strand). VCF-style: chr3-81581222-C-T. GRCh37 (hg19) VCF-style: chr3-81630373-C-T.
Other names: p.Thr463=.
Identifiers: ClinVar variation 782989 (VCV000782989.11), dbSNP rs757933285, ClinGen allele CA2499682.

ClinVar aggregate classification (germline): Likely benign. Review status: criteria provided, multiple submitters, no conflicts (2 of 4 stars). 3 submissions from 3 submitters: Likely benign (2). 1 of the submissions does not count toward it. Last evaluated 2026-01-06.

Conditions:
Glycogen storage disease, type IV (GSD4). Also called: AMYLOPECTINOSIS; ANDERSEN DISEASE; BRANCHER DEFICIENCY; CIRRHOSIS, FAMILIAL, WITH DEPOSITION OF ABNORMAL GLYCOGEN; GBE1 DEFICIENCY; GLYCOGEN BRANCHING ENZYME DEFICIENCY. Identifiers: Orphanet 367, MedGen C0017923, MONDO:0009292, OMIM 232500.
Glycogen storage disease IV, classic hepatic. Also called: GSD IV, CLASSIC HEPATIC. Identifiers: MedGen C1856301.

Allele frequency attached by ClinVar (database versions not stated): gnomAD exomes 0.00003 and 0.00011; ExAC 0.00005; gnomAD 0.00007; TOPMed 0.00008.
gnomAD v4.1: 58 of 1,606,312 alleles (0.0036%); highest among the groups gnomAD compares: Admixed American, 0.065%; no homozygotes.

Submissions (3):

Labcorp Genetics (formerly Invitae), Labcorp
Classification: Likely benign for Glycogen storage disease, type IV; Glycogen storage disease IV, classic hepatic. Last evaluated: 2026-01-06. Review status: criteria provided, single submitter. Criteria: Invitae Variant Classification Sherloc (09022015). Collection method: clinical testing. Allele origin: germline.

Mayo Clinic Laboratories, Mayo Clinic
Classification: Likely benign. Last evaluated: 2025-06-30. Review status: criteria provided, single submitter. Criteria: ACMG Guidelines, 2015. Collection method: clinical testing. Allele origin: germline. Observed: 1 variant allele.
Comment: BP4, BP7

Natera, Inc.
Classification: Likely benign for Glycogen storage disease type IV. Last evaluated: 2020-09-16. Review status: no assertion criteria provided. Collection method: clinical testing. Allele origin: germline. Not counted in ClinVar's aggregate classification.